The following is an entry in ClinVar:

ClinVar aggregate classification (germline): Pathogenic (1 of 4 stars; one submission).

Conditions:
PURA-related severe neonatal hypotonia-seizures-encephalopathy syndrome (NEDRIHF). Also called: NEURODEVELOPMENTAL DISORDER WITH NEONATAL RESPIRATORY INSUFFICIENCY, HYPOTONIA, AND FEEDING DIFFICULTIES; PURA-Related Neurodevelopmental Disorders. Identifiers: Orphanet 438213, Orphanet 438216, MedGen C4015357, MONDO:1060108, OMIM 616158, MONDO:0018580.

Submission:

Labcorp Genetics (formerly Invitae), Labcorp
Classification: Pathogenic for PURA-related severe neonatal hypotonia-seizures-encephalopathy syndrome. Last evaluated: 2022-09-28. Review status: criteria provided, single submitter. Criteria: Invitae Variant Classification Sherloc (09022015). Collection method: clinical testing. Allele origin: germline.
Comment: This variant is not present in population databases (gnomAD no frequency). This variant has not been reported in the literature in individuals affected with PURA-related conditions. This variant disrupts a region of the PURA protein in which other variant(s) (p.Thr310Asnfs*7) have been determined to be pathogenic (Invitae). This suggests that this is a clinically significant region of the protein, and that variants that disrupt it are likely to be disease-causing. For these reasons, this variant has been classified as Pathogenic. This sequence change creates a premature translational stop signal (p.Gly7Alafs*71) in the PURA gene. While this is not anticipated to result in nonsense mediated decay, it is expected to disrupt the last 316 amino acid(s) of the PURA protein.

NM_005859.5(PURA):c.20del (p.Gly7fs)

Gene: PURA (purine rich element binding protein A; plus strand). Cytogenetic location: 5q31.3.
Variant type: Deletion.
Coding change: c.20del on transcript NM_005859.5 (MANE Select); coding-DNA position 20, one base deleted (G; older notation c.20delG).
Protein change: p.Gly7fs; shifts the reading frame from glycine 7.
Molecular consequence: frameshift variant.
Genome position (GRCh38, 1-based): chr5:140,114,201, G deleted; the last of 2 consecutive G bases (chr5:140,114,200-140,114,201); deleting either gives the same sequence. VCF-style (leftmost placement, unchanged base first): chr5-140114199-CG-C. GRCh37 (hg19) VCF-style: chr5-139493784-CG-C.
Other names: short protein forms G7fs.
Identifiers: ClinVar variation 2807067 (VCV002807067.3), dbSNP rs2479503541, ClinGen allele CA2739275107.